The following is an entry in ClinVar:

ClinVar aggregate classification (germline): Likely benign (1 of 4 stars; one submission).

Allele frequency attached by ClinVar (database versions not stated): gnomAD 0.00003 and 0.00004; gnomAD exomes 0.00003; ExAC 0.00004; TOPMed 0.00005.
gnomAD v4.1: 51 of 1,612,598 alleles (0.0032%); highest among the groups gnomAD compares: Non-Finnish European, 0.0041%; no homozygotes.

Submission:

GeneDx
Classification: Likely benign. Last evaluated: 2019-08-16. Review status: criteria provided, single submitter. Criteria: GeneDx Variant Classification Process June 2021. Collection method: clinical testing. Allele origin: germline. Affected: yes.
Comment: See Variant Classification Assertion Criteria.

NM_031418.4(ANO3):c.2906G>A (p.Arg969Gln)

Gene: ANO3 (anoctamin 3; plus strand). Cytogenetic location: 11p14.2.
Variant type: single nucleotide variant.
Coding change: c.2906G>A on transcript NM_031418.4 (MANE Select); coding-DNA position 2906, G replaced by A.
Protein change: p.Arg969Gln; replaces arginine 969 with glutamine.
Molecular consequence: missense variant.
Genome position (GRCh38, 1-based): chr11:26,660,404, G>A. VCF-style: chr11-26660404-G-A. GRCh37 (hg19) VCF-style: chr11-26681951-G-A.
Other names: c.3089G>A, p.Arg1030Gln (NM_001313726.2); c.2468G>A, p.Arg823Gln (NM_001313727.2); short protein forms R1030Q, R823Q, R969Q.
Identifiers: ClinVar variation 1678818 (VCV001678818.2), dbSNP rs777387236, ClinGen allele CA5926644.